The following is an entry in ClinVar:

NM_017617.5(NOTCH1):c.5410G>C (p.Ala1804Pro)

Gene: NOTCH1 (notch receptor 1; minus strand). Cytogenetic location: 9q34.3.
Variant type: single nucleotide variant.
Coding change: c.5410G>C on transcript NM_017617.5 (MANE Select); coding-DNA position 5410, G replaced by C.
Protein change: p.Ala1804Pro; replaces alanine 1804 with proline.
Molecular consequence: missense variant.
Genome position (GRCh38, 1-based): chr9:136,502,063, C>G on the plus strand (G>C on the coding strand, the complement: NOTCH1 is on the minus strand). VCF-style: chr9-136502063-C-G. GRCh37 (hg19) VCF-style: chr9-139396515-C-G.
Other names: short protein forms A1804P.
Identifiers: ClinVar variation 3773935 (VCV003773935.1).

ClinVar aggregate classification (germline): Uncertain significance (1 of 4 stars; one submission).

Submission:

GeneDx
Classification: Uncertain significance. Last evaluated: 2024-09-23. Review status: criteria provided, single submitter. Criteria: GeneDx Variant Classification Process June 2021. Collection method: clinical testing. Allele origin: germline. Affected: yes.
Comment: Not observed at significant frequency in large population cohorts (gnomAD); In silico analysis indicates that this missense variant does not alter protein structure/function; Has not been previously published as pathogenic or benign to our knowledge